The following is an entry in ClinVar:

ClinVar aggregate classification (germline): Uncertain significance (1 of 4 stars; one submission).

Submission:

CeGaT Center for Human Genetics Tuebingen
Classification: Uncertain significance. Last evaluated: 2025-01-01. Review status: criteria provided, single submitter. Criteria: CeGaT Center For Human Genetics Tuebingen Variant Classification Criteria Version 2. Collection method: clinical testing. Allele origin: germline. Affected: yes. Observed: 1 variant allele.
Comment: RAI1: PM2, BP4

NM_030665.4(RAI1):c.5219T>C (p.Leu1740Pro)

Gene: RAI1 (retinoic acid induced 1; plus strand). Cytogenetic location: 17p11.2.
Variant type: single nucleotide variant.
Coding change: c.5219T>C on transcript NM_030665.4 (MANE Select); coding-DNA position 5219, T replaced by C.
Protein change: p.Leu1740Pro; replaces leucine 1740 with proline.
Molecular consequence: missense variant.
Genome position (GRCh38, 1-based): chr17:17,798,167, T>C. VCF-style: chr17-17798167-T-C. GRCh37 (hg19) VCF-style: chr17-17701481-T-C.
Other names: short protein forms L1740P.
Identifiers: ClinVar variation 3772222 (VCV003772222.13).